The following is an entry in ClinVar:

NM_002693.3(POLG):c.2454G>T (p.Arg818Ser)

Gene: POLG (DNA polymerase gamma, catalytic subunit; minus strand). Cytogenetic location: 15q26.1.
Variant type: single nucleotide variant.
Coding change: c.2454G>T on transcript NM_002693.3 (MANE Select); coding-DNA position 2454, G replaced by T.
Protein change: p.Arg818Ser; replaces arginine 818 with serine.
Molecular consequence: missense variant.
Genome position (GRCh38, 1-based): chr15:89,321,988, C>A on the plus strand (G>T on the coding strand, the complement: POLG is on the minus strand). VCF-style: chr15-89321988-C-A. GRCh37 (hg19) VCF-style: chr15-89865219-C-A.
Other names: c.2454G>T, p.Arg818Ser (NM_001126131.2); short protein forms R818S.
Identifiers: ClinVar variation 2414823 (VCV002414823.5), dbSNP rs780501001, ClinGen allele CA7724470.

ClinVar aggregate classification (germline): Uncertain significance (1 of 4 stars; one submission).

Conditions:
Progressive sclerosing poliodystrophy (MTDPS4A). Also called: Mitochondrial DNA Depletion Syndrome 4A; Alpers-Huttenlocher Syndrome (AHS); ALPERS PROGRESSIVE INFANTILE POLIODYSTROPHY; NEURONAL DEGENERATION OF CHILDHOOD WITH LIVER DISEASE, PROGRESSIVE; Mitochondrial DNA depletion syndrome 4A (Alpers type); Alpers Syndrome. Identifiers: Orphanet 726, MedGen C0205710, MONDO:0008758, OMIM 203700.

Allele frequency attached by ClinVar (database versions not stated): ExAC 0.00001.

Submission:

Labcorp Genetics (formerly Invitae), Labcorp
Classification: Uncertain significance for Progressive sclerosing poliodystrophy. Last evaluated: 2024-10-22. Review status: criteria provided, single submitter. Criteria: Invitae Variant Classification Sherloc (09022015). Collection method: clinical testing. Allele origin: germline.
Comment: This sequence change replaces arginine, which is basic and polar, with serine, which is neutral and polar, at codon 818 of the POLG protein (p.Arg818Ser). This variant is present in population databases (rs780501001, gnomAD 0.0009%). This variant has not been reported in the literature in individuals affected with POLG-related conditions. ClinVar contains an entry for this variant (Variation ID: 2414823). Invitae Evidence Modeling of protein sequence and biophysical properties (such as structural, functional, and spatial information, amino acid conservation, physicochemical variation, residue mobility, and thermodynamic stability) indicates that this missense variant is not expected to disrupt POLG protein function with a negative predictive value of 95%. In summary, the available evidence is currently insufficient to determine the role of this variant in disease. Therefore, it has been classified as a Variant of Uncertain Significance.